The following is an entry in ClinVar:

NM_001197104.2(KMT2A):c.6802A>G (p.Asn2268Asp)

Gene: KMT2A (lysine methyltransferase 2A; plus strand). Cytogenetic location: 11q23.3.
Variant type: single nucleotide variant.
Coding change: c.6802A>G on transcript NM_001197104.2 (MANE Select); coding-DNA position 6802, A replaced by G.
Protein change: p.Asn2268Asp; replaces asparagine 2268 with aspartic acid.
Molecular consequence: missense variant.
Genome position (GRCh38, 1-based): chr11:118,502,694, A>G. VCF-style: chr11-118502694-A-G. GRCh37 (hg19) VCF-style: chr11-118373409-A-G.
Other names: c.6892A>G, p.Asn2298Asp (NM_001412597.1); c.6793A>G, p.Asn2265Asp (NM_005933.4); short protein forms N2268D, N2298D, N2265D.
Identifiers: ClinVar variation 4778011 (VCV004778011.1).

ClinVar aggregate classification (germline): Uncertain significance (1 of 4 stars; one submission).

gnomAD v4.1: 23 of 1,614,162 alleles (0.0014%); highest among the groups gnomAD compares: Non-Finnish European, 0.0019%; no homozygotes.

Submission:

Labcorp Genetics (formerly Invitae), Labcorp
Classification: Uncertain significance. Last evaluated: 2025-04-24. Review status: criteria provided, single submitter. Criteria: Invitae Variant Classification Sherloc (09022015). Collection method: clinical testing. Allele origin: germline.
Comment: This sequence change replaces asparagine, which is neutral and polar, with aspartic acid, which is acidic and polar, at codon 2268 of the KMT2A protein (p.Asn2268Asp). This variant is present in population databases (rs781818062, gnomAD 0.0009%). This variant has not been reported in the literature in individuals affected with KMT2A-related conditions. Invitae Evidence Modeling of protein sequence and biophysical properties (such as structural, functional, and spatial information, amino acid conservation, physicochemical variation, residue mobility, and thermodynamic stability) indicates that this missense variant is not expected to disrupt KMT2A protein function with a negative predictive value of 95%. In summary, the available evidence is currently insufficient to determine the role of this variant in disease. Therefore, it has been classified as a Variant of Uncertain Significance.